The following is an entry in ClinVar:

ClinVar aggregate classification (germline): Benign. Review status: criteria provided, multiple submitters, no conflicts (2 of 4 stars). 2 submissions from 2 submitters: Benign (2). Last evaluated 2018-06-14.

Allele frequency attached by ClinVar (database versions not stated): gnomAD 0.53020 and 0.53281; TOPMed 0.54687; 1000 Genomes Project 30x 0.57823; 1000 Genomes Project 0.57847.
gnomAD v4.1: 80,762 of 151,424 alleles (53%); highest among the groups gnomAD compares: Middle Eastern, 67%; 21,909 homozygotes.

Submissions (2):

GeneDx
Classification: Benign. Last evaluated: 2018-06-14. Review status: criteria provided, single submitter. Criteria: GeneDx Variant Classification (06012015). Collection method: clinical testing. Allele origin: germline. Affected: yes.
Comment: This variant is considered likely benign or benign based on one or more of the following criteria: it is a conservative change, it occurs at a poorly conserved position in the protein, it is predicted to be benign by multiple in silico algorithms, and/or has population frequency not consistent with disease.

Breakthrough Genomics
Classification: Benign. Review status: criteria provided, single submitter. Criteria: ACMG Guidelines, 2015. Collection method: not provided. Allele origin: germline. Inheritance: Autosomal recessive inheritance. Affected: yes.

NM_000702.4(ATP1A2):c.12+205A>C

Gene: ATP1A2 (ATPase Na+/K+ transporting subunit alpha 2; plus strand). Cytogenetic location: 1q23.2.
Variant type: single nucleotide variant.
Coding change: c.12+205A>C on transcript NM_000702.4 (MANE Select); 205 bases into the intron after coding-DNA position 12, A replaced by C.
Molecular consequence: intron variant.
Genome position (GRCh38, 1-based): chr1:160,116,078, A>C. VCF-style: chr1-160116078-A-C. GRCh37 (hg19) VCF-style: chr1-160085868-A-C.
Identifiers: ClinVar variation 678200 (VCV000678200.2), dbSNP rs2854244, ClinGen allele CA10688677.
Genomic context (GRCh38, chr1:160,116,078, plus strand): 5'-TACCAATGTGTGTACAGATCCCACGGCGGTCACATACCCTAGTGCTCTCCTCTCCTCTGC[A>C]CGCCCCAGCCCCCTGCCCACAGTTAGACCCACAGCCCACCACACATGCCCCCTCCATCTC-3'